The following is an entry in ClinVar:

NM_207346.3(TSEN54):c.707A>G (p.Gln236Arg)

Gene: TSEN54 (tRNA splicing endonuclease subunit 54; plus strand). Cytogenetic location: 17q25.1.
Variant type: single nucleotide variant.
Coding change: c.707A>G on transcript NM_207346.3 (MANE Select); coding-DNA position 707, A replaced by G.
Protein change: p.Gln236Arg; replaces glutamine 236 with arginine.
Molecular consequence: missense variant.
Genome position (GRCh38, 1-based): chr17:75,521,788, A>G. VCF-style: chr17-75521788-A-G. GRCh37 (hg19) VCF-style: chr17-73517869-A-G.
Other names: short protein forms Q236R.
Identifiers: ClinVar variation 1351130 (VCV001351130.8), dbSNP rs200904080, ClinGen allele CA294078878.

ClinVar aggregate classification (germline): Uncertain significance (1 of 4 stars; one submission).

Allele frequency attached by ClinVar (database versions not stated): TOPMed below 0.00001.

Submission:

Labcorp Genetics (formerly Invitae), Labcorp
Classification: Uncertain significance. Last evaluated: 2022-02-24. Review status: criteria provided, single submitter. Criteria: Invitae Variant Classification Sherloc (09022015). Collection method: clinical testing. Allele origin: germline.
Comment: In summary, the available evidence is currently insufficient to determine the role of this variant in disease. Therefore, it has been classified as a Variant of Uncertain Significance. Algorithms developed to predict the effect of missense changes on protein structure and function (SIFT, PolyPhen-2, Align-GVGD) all suggest that this variant is likely to be tolerated. This variant is not present in population databases (gnomAD no frequency). This variant has not been reported in the literature in individuals affected with TSEN54-related conditions. This sequence change replaces glutamine, which is neutral and polar, with arginine, which is basic and polar, at codon 236 of the TSEN54 protein (p.Gln236Arg).